The following is an entry in ClinVar:

ClinVar aggregate classification (germline): Uncertain significance (1 of 4 stars; one submission).

Submission:

GeneDx
Classification: Uncertain significance. Last evaluated: 2024-03-19. Review status: criteria provided, single submitter. Criteria: GeneDx Variant Classification Process June 2021. Collection method: clinical testing. Allele origin: germline. Affected: yes.
Comment: Not observed at significant frequency in large population cohorts (gnomAD); In silico analysis supports that this missense variant has a deleterious effect on protein structure/function; Has not been previously published as pathogenic or benign to our knowledge

NM_001134407.3(GRIN2A):c.584T>C (p.Phe195Ser)

Gene: GRIN2A (glutamate ionotropic receptor NMDA type subunit 2A; minus strand). Cytogenetic location: 16p13.2.
Variant type: single nucleotide variant.
Coding change: c.584T>C on transcript NM_001134407.3 (MANE Select); coding-DNA position 584, T replaced by C.
Protein change: p.Phe195Ser; replaces phenylalanine 195 with serine.
Molecular consequence: missense variant.
Genome position (GRCh38, 1-based): chr16:9,938,382, A>G on the plus strand (T>C on the coding strand, the complement: GRIN2A is on the minus strand). VCF-style: chr16-9938382-A-G. GRCh37 (hg19) VCF-style: chr16-10032239-A-G.
Other names: c.584T>C, p.Phe195Ser (NM_000833.5, NM_001134408.2); short protein forms F195S.
Identifiers: ClinVar variation 3252184 (VCV003252184.1), dbSNP rs2543142598.